The following is an entry in ClinVar:

NM_139318.5(KCNH5):c.2680G>A (p.Ala894Thr)

Gene: KCNH5 (potassium voltage-gated channel subfamily H member 5; minus strand). Cytogenetic location: 14q23.2.
Variant type: single nucleotide variant.
Coding change: c.2680G>A on transcript NM_139318.5 (MANE Select); coding-DNA position 2680, G replaced by A.
Protein change: p.Ala894Thr; replaces alanine 894 with threonine.
Molecular consequence: missense variant. On other transcripts: 3 prime UTR variant (1).
Genome position (GRCh38, 1-based): chr14:62,707,795, C>T on the plus strand (G>A on the coding strand, the complement: KCNH5 is on the minus strand). VCF-style: chr14-62707795-C-T. GRCh37 (hg19) VCF-style: chr14-63174513-C-T.
Other names: c.*647G>A (NM_172375.3); short protein forms A894T.
Identifiers: ClinVar variation 1949415 (VCV001949415.5), dbSNP rs2502652963, ClinGen allele CA390100069.

ClinVar aggregate classification (germline): Uncertain significance (1 of 4 stars; one submission).

Conditions:
Early-infantile DEE. Also called: Early infantile epileptic encephalopathy; Early infantile epileptic encephalopathy with suppression bursts; Ohtahara syndrome. Identifiers: Orphanet 1934, MedGen C0393706, MONDO:0800491.

Allele frequency attached by ClinVar (database versions not stated): gnomAD exomes below 0.00001.
gnomAD v4.1: 1 of 1,614,164 alleles (0.000062%); highest among the groups gnomAD compares: African/African-American, 0.0013%; no homozygotes.

Submission:

Labcorp Genetics (formerly Invitae), Labcorp
Classification: Uncertain significance for Early-infantile DEE. Last evaluated: 2022-03-09. Review status: criteria provided, single submitter. Criteria: Invitae Variant Classification Sherloc (09022015). Collection method: clinical testing. Allele origin: germline.
Comment: This variant has not been reported in the literature in individuals affected with KCNH5-related conditions. This variant is not present in population databases (gnomAD no frequency). This sequence change replaces alanine, which is neutral and non-polar, with threonine, which is neutral and polar, at codon 894 of the KCNH5 protein (p.Ala894Thr). Advanced modeling of protein sequence and biophysical properties (such as structural, functional, and spatial information, amino acid conservation, physicochemical variation, residue mobility, and thermodynamic stability) performed at Invitae indicates that this missense variant is not expected to disrupt KCNH5 protein function. In summary, the available evidence is currently insufficient to determine the role of this variant in disease. Therefore, it has been classified as a Variant of Uncertain Significance.